The following is an entry in ClinVar:

NM_004054.4(C3AR1):c.561T>G (p.Phe187Leu)

Gene: C3AR1 (complement C3a receptor 1; minus strand). Cytogenetic location: 12p13.31.
Variant type: single nucleotide variant.
Coding change: c.561T>G on transcript NM_004054.4 (MANE Select); coding-DNA position 561, T replaced by G.
Protein change: p.Phe187Leu; replaces phenylalanine 187 with leucine.
Molecular consequence: missense variant.
Genome position (GRCh38, 1-based): chr12:8,059,625, A>C on the plus strand (T>G on the coding strand, the complement: C3AR1 is on the minus strand). VCF-style: chr12-8059625-A-C. GRCh37 (hg19) VCF-style: chr12-8212221-A-C.
Other names: c.561T>G, p.Phe187Leu (NM_001326475.2, NM_001326477.2); short protein forms F187L.
Identifiers: ClinVar variation 2636028 (VCV002636028.1), dbSNP rs146952726, ClinGen allele CA6431986.

ClinVar aggregate classification (germline): Uncertain significance (1 of 4 stars; one submission).

Conditions:
C3AR1-related disorder. Also called: C3AR1-related condition.

Allele frequency attached by ClinVar (database versions not stated): ExAC 0.00006; gnomAD 0.00012; TOPMed 0.00014; ESP Exome Variant Server 0.00015.
gnomAD v4.1: 434 of 1,614,032 alleles (0.027%); highest among the groups gnomAD compares: Non-Finnish European, 0.035%; no homozygotes.

Submission:

PreventionGenetics, part of Exact Sciences
Classification: Uncertain significance for C3AR1-related condition. Last evaluated: 2022-09-02. Review status: criteria provided, single submitter. Criteria: ACMG Guidelines, 2015. Collection method: clinical testing. Allele origin: germline.
Comment: The C3AR1 c.561T>G variant is predicted to result in the amino acid substitution p.Phe187Leu. To our knowledge, this variant has not been reported in the literature. This variant is reported in 0.013% of alleles in individuals of European (Non-Finnish) descent in gnomAD. Although we suspect that this variant may be benign, at this time, the clinical significance of this variant is uncertain due to the absence of conclusive functional and genetic evidence.